The following is an entry in ClinVar:

ClinVar aggregate classification (germline): Pathogenic (1 of 4 stars; one submission).

Submission:

Labcorp Genetics (formerly Invitae), Labcorp
Classification: Pathogenic. Last evaluated: 2022-07-15. Review status: criteria provided, single submitter. Criteria: Invitae Variant Classification Sherloc (09022015). Collection method: clinical testing. Allele origin: germline.
Comment: This variant is a gross deletion of the genomic region encompassing exon(s) 1-5 of the ALDH3A2 gene, which includes the initiator codon. This deletion extends beyond the assayed region for this gene and therefore may encompass additional genes. It is expected to result in an absent or disrupted protein product. Loss-of-function variants in ALDH3A2 are known to be pathogenic (PMID: 10577908, 10854114). A similar copy number variant has been observed in individual(s) with Sjogren ‚ÄìLarsson syndrome (PMID: 25855245). For these reasons, this variant has been classified as Pathogenic.

Literature cited by the submitters: PubMed 10577908; PubMed 10854114; PubMed 25855245.

NC_000017.10:g.(?_19552285)_(19561195_?)del

Gene: ALDH3A2 (aldehyde dehydrogenase 3 family member A2; plus strand). Cytogenetic location: 17p11.2.
Variant type: Deletion.
Identifiers: ClinVar variation 2422992 (VCV002422992.3).